The following is an entry in ClinVar:

NM_001197104.2(KMT2A):c.6080-1G>C

Gene: KMT2A (lysine methyltransferase 2A; plus strand). Cytogenetic location: 11q23.3.
Variant type: single nucleotide variant.
Coding change: c.6080-1G>C on transcript NM_001197104.2 (MANE Select); the canonical splice acceptor site of the intron before coding-DNA position 6080, G replaced by C.
Molecular consequence: splice acceptor variant.
Genome position (GRCh38, 1-based): chr11:118,499,834, G>C. VCF-style: chr11-118499834-G-C. GRCh37 (hg19) VCF-style: chr11-118370549-G-C.
Other names: c.6170-1G>C (NM_001412597.1); c.6071-1G>C (NM_005933.4).
Identifiers: ClinVar variation 4280602 (VCV004280602.1).

ClinVar aggregate classification (germline): Pathogenic (1 of 4 stars; one submission).

Conditions:
Wiedemann-Steiner syndrome (WDSTS). Also called: Growth deficiency and mental retardation with facial dysmorphism. Identifiers: Orphanet 319182, MedGen C1854630, MONDO:0011518, OMIM 605130.

Submission:

Applied Translational Genetics Group, University of Auckland
Classification: Pathogenic for Wiedemann-Steiner syndrome. Last evaluated: 2025-10-08. Review status: criteria provided, single submitter. Criteria: ACMG Guidelines, 2015. Collection method: research. Allele origin: de novo. Inheritance: Autosomal dominant inheritance. Affected: yes. Observed: 1 heterozygote.
Comment: NM_001197104.2:c.6080-1G>C is a splice acceptor site mutation 1 bp upstream of exon 24/26 in the gene KMT2A, likely resulting in an absent or disrupted protein product (PVS1). Heterozygous mutations in KMT2A are associated with the autosomal dominant condition Wiedemann-Steiner syndrome (OMIM: 605130) (PVS1), a condition characterised by short stature, dysmorphic features, mild to moderate intellectual disability and behavioral difficulties, all present in this individual (PP4). The variant has been identified as a de novo occurrence in a family without family history, but without confirmation of paternity and maternity (PM6). The variant is absent in the gnomAD population database, as would be expected for a rare genetic condition such as Wiedemann-Steiner syndrome (PM2). In summary, this variant meets criteria to be classified as pathogenic for Wiedemann-Steiner syndrome based on the ACMG/AMP criteria applied: PVS1, PM2, PM6, PP4

Literature cited by the submitters: PubMed 40756852.